The following is an entry in ClinVar:

NM_000256.3(MYBPC3):c.3740A>G (p.Asp1247Gly)

Gene: MYBPC3 (myosin binding protein C3; minus strand). Cytogenetic location: 11p11.2.
Variant type: single nucleotide variant.
Coding change: c.3740A>G on transcript NM_000256.3 (MANE Select); coding-DNA position 3740, A replaced by G.
Protein change: p.Asp1247Gly; replaces aspartic acid 1247 with glycine.
Molecular consequence: missense variant.
Genome position (GRCh38, 1-based): chr11:47,332,146, T>C on the plus strand (A>G on the coding strand, the complement: MYBPC3 is on the minus strand). VCF-style: chr11-47332146-T-C. GRCh37 (hg19) VCF-style: chr11-47353697-T-C.
Other names: c.3740A>G, p.Asp1247Gly (LRG_386t1); short protein forms D1247G.
Identifiers: ClinVar variation 427135 (VCV000427135.2), dbSNP rs1085307978, ClinGen allele CA380310981.

ClinVar aggregate classification (germline): Likely pathogenic (1 of 4 stars; one submission).

Allele frequency attached by ClinVar (database versions not stated): gnomAD 0.00001.
gnomAD v4.1: 1 of 1,613,594 alleles (0.000062%); highest among the groups gnomAD compares: Non-Finnish European, 0.000085%; no homozygotes.

Submission:

GeneDx
Classification: Likely pathogenic. Last evaluated: 2015-05-21. Review status: criteria provided, single submitter. Criteria: GeneDx Variant Classification (06012015). Collection method: clinical testing. Allele origin: germline. Affected: yes.
Comment: The D1247G variant has not been published as a pathogenic variant, nor has it been reported as a benign polymorphism to our knowledge. The D1247G variant was not observed in approximately 6100 individuals of European and African American ancestry in the NHLBI Exome Sequencing Project, indicating it is not a common benign variant in these populations. The D1247G variant is a non-conservative amino acid substitution, which is likely to impact secondary protein structure as these residues differ in polarity, charge, size and/or other properties. This substitution occurs at a position that is conserved across species. In silico analysis predicts this variant is probably damaging to the protein structure/function. Missense variants in nearby residues (L1238P, P1245L, G1248R, G1249V) have been reported in the Human Gene Mutation Database in association with HCM (Stenson et al., 2014), supporting the functional importance of this region of the protein.Therefore, this variant is a strong candidate for a pathogenic mutation, however the possibility that it is a benign variant cannot be excluded.